The following is an entry in ClinVar:

NM_003718.5(CDK13):c.1980T>A (p.Asp660Glu)

Gene: CDK13 (cyclin dependent kinase 13; plus strand). Cytogenetic location: 7p14.1.
Variant type: single nucleotide variant.
Coding change: c.1980T>A on transcript NM_003718.5 (MANE Select); coding-DNA position 1980, T replaced by A.
Protein change: p.Asp660Glu; replaces aspartic acid 660 with glutamic acid.
Molecular consequence: missense variant.
Genome position (GRCh38, 1-based): chr7:39,997,602, T>A. VCF-style: chr7-39997602-T-A. GRCh37 (hg19) VCF-style: chr7-40037201-T-A.
Other names: c.1980T>A, p.Asp660Glu (NM_031267.4); short protein forms D660E.
Identifiers: ClinVar variation 1974724 (VCV001974724.8), dbSNP rs374425344, ClinGen allele CA4228606.

ClinVar aggregate classification (germline): Likely benign. Review status: criteria provided, multiple submitters, no conflicts (2 of 4 stars). 3 submissions from 3 submitters: Likely benign (2). 1 of the submissions does not count toward it. Last evaluated 2026-01-24.

Conditions:
CDK13-related disorder. Also called: CDK13-related condition. Identifiers: MedGen C5816700.
Inborn genetic diseases. Identifiers: MedGen C0950123, MeSH D030342.

Allele frequency attached by ClinVar (database versions not stated): gnomAD exomes 0.00001; ExAC 0.00006; gnomAD 0.00012; TOPMed 0.00012; ESP Exome Variant Server 0.00015.
gnomAD v4.1: 35 of 1,613,168 alleles (0.0022%); highest among the groups gnomAD compares: African/African-American, 0.036%; no homozygotes.

Submissions (3):

Labcorp Genetics (formerly Invitae), Labcorp
Classification: Likely benign. Last evaluated: 2026-01-24. Review status: criteria provided, single submitter. Criteria: Invitae Variant Classification Sherloc (09022015). Collection method: clinical testing. Allele origin: germline.

Ambry Genetics
Classification: Likely benign for Inborn genetic diseases. Last evaluated: 2022-11-08. Review status: criteria provided, single submitter. Criteria: Ambry Variant Classification Scheme 2023. Collection method: clinical testing. Allele origin: germline.

PreventionGenetics, part of Exact Sciences
Classification: Likely benign for CDK13-related condition. Last evaluated: 2021-10-14. Review status: no assertion criteria provided. Collection method: clinical testing. Allele origin: germline. Not counted in ClinVar's aggregate classification.
Comment: This variant is classified as likely benign based on ACMG/AMP sequence variant interpretation guidelines (Richards et al. 2015 PMID: 25741868, with internal and published modifications).